The following is an entry in ClinVar:

ClinVar aggregate classification (germline): Uncertain significance (1 of 4 stars; one submission).

Conditions:
Arrhythmogenic right ventricular dysplasia 12. Also called: ARRHYTHMOGENIC RIGHT VENTRICULAR DYSPLASIA, FAMILIAL, 12. Identifiers: MedGen C1969081, MONDO:0012684, OMIM 611528.
Naxos disease (NXD). Also called: KERATOSIS PALMOPLANTARIS WITH ARRHYTHMOGENIC CARDIOMYOPATHY; MAL DE NAXOS; PALMOPLANTAR KERATODERMA WITH ARRHYTHMOGENIC RIGHT VENTRICULAR CARDIOMYOPATHY AND WOOLLY HAIR; WOOLLY HAIR, PALMOPLANTAR KERATODERMA, AND CARDIAC ABNORMALITIES; CARDIOMYOPATHY, ARRHYTHMOGENIC RIGHT VENTRICULAR, WITH SKIN, HAIR, AND NAIL ABNORMALITIES. Identifiers: Orphanet 34217, MedGen C1832600, MONDO:0011017, OMIM 601214.

Allele frequency attached by ClinVar (database versions not stated): gnomAD exomes below 0.00001 and 0.00001.
gnomAD v4.1: 10 of 1,614,124 alleles (0.00062%); highest among the groups gnomAD compares: Non-Finnish European, 0.00085%; no homozygotes.

Submission:

Labcorp Genetics (formerly Invitae), Labcorp
Classification: Uncertain significance for Arrhythmogenic right ventricular dysplasia 12; Naxos disease. Last evaluated: 2025-12-16. Review status: criteria provided, single submitter. Criteria: Invitae Variant Classification Sherloc (09022015). Collection method: clinical testing. Allele origin: germline.
Comment: This sequence change replaces histidine, which is basic and polar, with tyrosine, which is neutral and polar, at codon 568 of the JUP protein (p.His568Tyr). This variant is present in population databases (rs794729048, gnomAD 0.0009%). This variant has not been reported in the literature in individuals affected with JUP-related conditions. ClinVar contains an entry for this variant (Variation ID: 201826). An algorithm developed to predict the effect of missense changes on protein structure and function (PolyPhen-2) suggests that this variant is likely to be disruptive. In summary, the available evidence is currently insufficient to determine the role of this variant in disease. Therefore, it has been classified as a Variant of Uncertain Significance.

NM_002230.4(JUP):c.1702C>T (p.His568Tyr)

Gene: JUP (junction plakoglobin; minus strand). Cytogenetic location: 17q21.2.
Variant type: single nucleotide variant.
Coding change: c.1702C>T on transcript NM_002230.4 (MANE Select); coding-DNA position 1702, C replaced by T.
Protein change: p.His568Tyr; replaces histidine 568 with tyrosine.
Molecular consequence: missense variant.
Genome position (GRCh38, 1-based): chr17:41,758,470, G>A on the plus strand (C>T on the coding strand, the complement: JUP is on the minus strand). VCF-style: chr17-41758470-G-A. GRCh37 (hg19) VCF-style: chr17-39914722-G-A.
Other names: c.1702C>T, p.His568Tyr (NM_001352773.2, NM_001352774.2, NM_001352775.2 and 3 more transcripts); short protein forms H568Y.
Identifiers: ClinVar variation 201826 (VCV000201826.8), dbSNP rs794729048, ClinGen allele CA308541.